The following is an entry in ClinVar:

ClinVar aggregate classification (germline): Uncertain significance (1 of 4 stars; one submission).

Submission:

Labcorp Genetics (formerly Invitae), Labcorp
Classification: Uncertain significance. Last evaluated: 2021-06-01. Review status: criteria provided, single submitter. Criteria: Invitae Variant Classification Sherloc (09022015). Collection method: clinical testing. Allele origin: germline.
Comment: This sequence change replaces leucine with phenylalanine at codon 501 of the SH3KBP1 protein (p.Leu501Phe). The leucine residue is moderately conserved and there is a small physicochemical difference between leucine and phenylalanine. This variant is not present in population databases (ExAC no frequency). This variant has not been reported in the literature in individuals with SH3KBP1-related conditions. Algorithms developed to predict the effect of missense changes on protein structure and function are either unavailable or do not agree on the potential impact of this missense change (SIFT: "Tolerated"; PolyPhen-2: "Possibly Damaging"; Align-GVGD: "Class C0"). In summary, the available evidence is currently insufficient to determine the role of this variant in disease. Therefore, it has been classified as a Variant of Uncertain Significance.

NM_031892.3(SH3KBP1):c.1501C>T (p.Leu501Phe)

Gene: SH3KBP1 (SH3 domain containing kinase binding protein 1; minus strand). Cytogenetic location: Xp22.12.
Variant type: single nucleotide variant.
Coding change: c.1501C>T on transcript NM_031892.3 (MANE Select); coding-DNA position 1501, C replaced by T.
Protein change: p.Leu501Phe; replaces leucine 501 with phenylalanine.
Molecular consequence: missense variant. On other transcripts: intron variant (5).
Genome position (GRCh38, 1-based): chrX:19,546,044, G>A on the plus strand (C>T on the coding strand, the complement: SH3KBP1 is on the minus strand). VCF-style: chrX-19546044-G-A. GRCh37 (hg19) VCF-style: chrX-19564162-G-A.
Other names: c.1390C>T, p.Leu464Phe (NM_001024666.3); c.787C>T, p.Leu263Phe (NM_001184960.2); c.1576C>T, p.Leu526Phe (NM_001353891.2); c.1399C>T, p.Leu467Phe (NM_001353893.2); c.1495-3851C>T (NM_001353890.2); c.1570-3851C>T (NM_001353892.2); c.1393-3851C>T (NM_001353894.2); c.1450-3851C>T (NM_001353895.2); and 1 more; short protein forms L263F, L526F, L464F, L467F, L501F.
Identifiers: ClinVar variation 1508833 (VCV001508833.8), dbSNP rs2147599584, ClinGen allele CA412496649.